The following is an entry in ClinVar:

ClinVar aggregate classification (germline): Uncertain significance (1 of 4 stars; one submission).

Conditions:
Autosomal recessive axonal neuropathy with neuromyotonia (NMAN). Also called: Gamstorp-Wohlfart syndrome; MYOKYMIA, MYOTONIA, AND MUSCLE WASTING; Neuromyotonia and axonal neuropathy, autosomal recessive. Identifiers: Orphanet 324442, MedGen C5700127, MONDO:0007646, OMIM 137200.

Submission:

Labcorp Genetics (formerly Invitae), Labcorp
Classification: Uncertain significance for Autosomal recessive axonal neuropathy with neuromyotonia. Last evaluated: 2022-11-22. Review status: criteria provided, single submitter. Criteria: Invitae Variant Classification Sherloc (09022015). Collection method: clinical testing. Allele origin: germline.
Comment: In summary, the available evidence is currently insufficient to determine the role of this variant in disease. Therefore, it has been classified as a Variant of Uncertain Significance. Algorithms developed to predict the effect of missense changes on protein structure and function are either unavailable or do not agree on the potential impact of this missense change (SIFT: "Deleterious"; PolyPhen-2: "Possibly Damaging"; Align-GVGD: "Class C0"). ClinVar contains an entry for this variant (Variation ID: 964275). This variant has not been reported in the literature in individuals affected with HINT1-related conditions. This variant is not present in population databases (gnomAD no frequency). This sequence change replaces proline, which is neutral and non-polar, with serine, which is neutral and polar, at codon 46 of the HINT1 protein (p.Pro46Ser).

NM_005340.7(HINT1):c.136C>T (p.Pro46Ser)

Gene: HINT1 (histidine triad nucleotide binding protein 1; minus strand). Cytogenetic location: 5q23.3.
Variant type: single nucleotide variant.
Coding change: c.136C>T on transcript NM_005340.7 (MANE Select); coding-DNA position 136, C replaced by T.
Protein change: p.Pro46Ser; replaces proline 46 with serine.
Molecular consequence: missense variant. On other transcripts: non-coding transcript variant (5).
Genome position (GRCh38, 1-based): chr5:131,162,652, G>A on the plus strand (C>T on the coding strand, the complement: HINT1 is on the minus strand). VCF-style: chr5-131162652-G-A. GRCh37 (hg19) VCF-style: chr5-130498345-G-A.
Other names: short protein forms P46S.
Identifiers: ClinVar variation 964275 (VCV000964275.10), dbSNP rs1755287620, ClinGen allele CA360838835.